The following is an entry in ClinVar:

NM_007103.4(NDUFV1):c.700+6G>T

Gene: NDUFV1 (NADH:ubiquinone oxidoreductase core subunit V1; plus strand). Cytogenetic location: 11q13.2.
Variant type: single nucleotide variant.
Coding change: c.700+6G>T on transcript NM_007103.4 (MANE Select); 6 bases into the intron after coding-DNA position 700, G replaced by T.
Molecular consequence: intron variant.
Genome position (GRCh38, 1-based): chr11:67,610,576, G>T. VCF-style: chr11-67610576-G-T. GRCh37 (hg19) VCF-style: chr11-67378047-G-T.
Other names: c.673+6G>T (NM_001166102.2).
Identifiers: ClinVar variation 1520454 (VCV001520454.5), dbSNP rs749626609, ClinGen allele CA6143247.

ClinVar aggregate classification (germline): Uncertain significance (1 of 4 stars; one submission).

gnomAD v4.1: 17 of 1,613,632 alleles (0.0011%); highest among the groups gnomAD compares: Non-Finnish European, 0.0014%; no homozygotes.

Submission:

Labcorp Genetics (formerly Invitae), Labcorp
Classification: Uncertain significance. Last evaluated: 2024-10-24. Review status: criteria provided, single submitter. Criteria: Invitae Variant Classification Sherloc (09022015). Collection method: clinical testing. Allele origin: germline.
Comment: This sequence change falls in intron 5 of the NDUFV1 gene. It does not directly change the encoded amino acid sequence of the NDUFV1 protein. It affects a nucleotide within the consensus splice site. This variant is present in population databases (rs749626609, gnomAD 0.004%). This variant has not been reported in the literature in individuals affected with NDUFV1-related conditions. ClinVar contains an entry for this variant (Variation ID: 1520454). Variants that disrupt the consensus splice site are a relatively common cause of aberrant splicing (PMID: 17576681, 9536098). Algorithms developed to predict the effect of sequence changes on RNA splicing suggest that this variant is not likely to affect RNA splicing. In summary, the available evidence is currently insufficient to determine the role of this variant in disease. Therefore, it has been classified as a Variant of Uncertain Significance.

Literature cited by the submitters: PubMed 17576681; PubMed 9536098.